The following is an entry in ClinVar:

ClinVar aggregate classification (germline): Uncertain significance. Review status: criteria provided, multiple submitters, no conflicts (2 of 4 stars). 2 submissions from 2 submitters: Uncertain significance (2). Last evaluated 2022-05-19.

Conditions:
Congenital generalized lipodystrophy type 3 (CGL3). Also called: BERARDINELLI-SEIP CONGENITAL LIPODYSTROPHY, TYPE 3. Identifiers: Orphanet 528, Orphanet 696206, MedGen C2675861, MONDO:0012923, OMIM 612526.
Partial lipodystrophy, congenital cataracts, and neurodegeneration syndrome (FPLD7). Identifiers: MedGen C3807567, MONDO:0011714, OMIM 606721.
Pulmonary hypertension, primary, 3. Identifiers: Orphanet 422, MedGen C3809192, MONDO:0014135, OMIM 615343.

Allele frequency attached by ClinVar (database versions not stated): gnomAD 0.00001; TOPMed 0.00001; gnomAD exomes 0.00002; ExAC 0.00003; ESP Exome Variant Server 0.00008.
gnomAD v4.1: 22 of 1,613,702 alleles (0.0014%); highest among the groups gnomAD compares: South Asian, 0.0055%; no homozygotes.

Submissions (2):

Fulgent Genetics
Classification: Uncertain significance for Partial lipodystrophy, congenital cataracts, and neurodegeneration syndrome; Congenital generalized lipodystrophy type 3; Pulmonary hypertension, primary, 3. Last evaluated: 2022-05-19. Review status: criteria provided, single submitter. Criteria: ACMG Guidelines, 2015. Collection method: clinical testing. Allele origin: unknown.

Labcorp Genetics (formerly Invitae), Labcorp
Classification: Uncertain significance for Pulmonary hypertension, primary, 3. Last evaluated: 2021-11-21. Review status: criteria provided, single submitter. Criteria: Invitae Variant Classification Sherloc (09022015). Collection method: clinical testing. Allele origin: germline.
Comment: This missense change has been observed in individuals with pulmonary arterial hypertension (PMID: 31727138; Invitae). In summary, the available evidence is currently insufficient to determine the role of this variant in disease. Therefore, it has been classified as a Variant of Uncertain Significance. Algorithms developed to predict the effect of missense changes on protein structure and function (SIFT, PolyPhen-2, Align-GVGD) all suggest that this variant is likely to be disruptive. This variant is also known as c.209G>A (p.Arg70His). This variant is present in population databases (rs200052661, gnomAD 0.006%). This sequence change replaces arginine, which is basic and polar, with histidine, which is basic and polar, at codon 101 of the CAV1 protein (p.Arg101His).

Literature cited by the submitters: PubMed 31727138 (cited by Labcorp Genetics (formerly Invitae), Labcorp).

NM_001753.5(CAV1):c.302G>A (p.Arg101His)

Gene: CAV1 (caveolin 1; plus strand). Cytogenetic location: 7q31.2.
Variant type: single nucleotide variant.
Coding change: c.302G>A on transcript NM_001753.5 (MANE Select); coding-DNA position 302, G replaced by A.
Protein change: p.Arg101His; replaces arginine 101 with histidine.
Molecular consequence: missense variant.
Genome position (GRCh38, 1-based): chr7:116,559,052, G>A. VCF-style: chr7-116559052-G-A. GRCh37 (hg19) VCF-style: chr7-116199106-G-A.
Other names: c.209G>A, p.Arg70His (NM_001172895.1, NM_001172896.2, NM_001172897.2); short protein forms R70H, R101H.
Identifiers: ClinVar variation 1469176 (VCV001469176.7), dbSNP rs200052661, ClinGen allele CA4447863.
Genomic context (GRCh38, chr7:116,559,052, plus strand): 5'-TTGACGGCATTTGGAAGGCCAGCTTCACCACCTTCACTGTGACGAAATACTGGTTTTACC[G>A]CTTGCTGTCTGCCCTCTTTGGCATCCCGATGGCACTCATCTGGGGCATTTACTTCGCCAT-3'
Protein context (NP_001744.2, residues 91-111): TFTVTKYWFY[Arg101His]LLSALFGIPM